The following is an entry in ClinVar:

NM_001355436.2(SPTB):c.3005G>A (p.Arg1002His)

Gene: SPTB (spectrin beta, erythrocytic; minus strand). Cytogenetic location: 14q23.3.
Variant type: single nucleotide variant.
Coding change: c.3005G>A on transcript NM_001355436.2 (MANE Select); coding-DNA position 3005, G replaced by A.
Protein change: p.Arg1002His; replaces arginine 1002 with histidine.
Molecular consequence: missense variant.
Genome position (GRCh38, 1-based): chr14:64,786,960, C>T on the plus strand (G>A on the coding strand, the complement: SPTB is on the minus strand). VCF-style: chr14-64786960-C-T. GRCh37 (hg19) VCF-style: chr14-65253678-C-T.
Other names: NM_000347.5:c.3005G>A; c.3005G>A, p.Arg1002His (NM_001024858.4, NM_001355437.2); c.3005G>A (NM_001024858.3); short protein forms R1002H.
Identifiers: ClinVar variation 2372852 (VCV002372852.2), dbSNP rs780815297, ClinGen allele CA7230715.

ClinVar aggregate classification (germline): Uncertain significance. Review status: criteria provided, multiple submitters, no conflicts (2 of 4 stars). 2 submissions from 2 submitters: Uncertain significance (2). Last evaluated 2021-10-06.

Conditions:
Inborn genetic diseases. Identifiers: MedGen C0950123, MeSH D030342.
Hereditary spherocytosis type 2. Also called: SPHEROCYTOSIS, TYPE 2, AUTOSOMAL DOMINANT. Identifiers: Orphanet 822, MedGen C2674219, MONDO:0000913, OMIM 616649.

Allele frequency attached by ClinVar (database versions not stated): ExAC 0.00001; gnomAD 0.00001; gnomAD exomes 0.00002; TOPMed 0.00003.
gnomAD v4.1: 32 of 1,613,884 alleles (0.002%); highest among the groups gnomAD compares: Middle Eastern, 0.033%; 1 homozygote.

Submissions (2):

Ambry Genetics
Classification: Uncertain significance for Inborn genetic diseases. Last evaluated: 2021-10-06. Review status: criteria provided, single submitter. Criteria: Ambry Variant Classification Scheme 2023. Collection method: clinical testing. Allele origin: germline.

Neuberg Centre For Genomic Medicine, NCGM
Classification: Uncertain significance for Hereditary spherocytosis type 2. Review status: criteria provided, single submitter. Criteria: ACMG Guidelines, 2015. Collection method: clinical testing. Allele origin: germline. Inheritance: Autosomal dominant inheritance. Affected: yes.
Comment: The missense variant c.3005G>A (p.Arg1002His) in SPTB gene has not been reported previously as a pathogenic variant nor as a benign variant, to our knowledge. The p.Arg1002His variant is reported with the allele frequency (0.002%) in the gnomAD Exomes and is novel (not in any individuals) in 1000 Genomes. The amino acid Arg at position 1002 is changed to a His changing protein sequence and it might alter its composition and physico-chemical properties. The variant is predicted to be damaging by SIFT and the residue is conserved across species. The amino acid change p.Arg1002His in SPTB is predicted as conserved by GERP++ and PhyloP across 100 vertebrates. For these reasons, this variant has been classified as Variant of Uncertain Significance (VUS).